The following is an entry in ClinVar:

ClinVar aggregate classification (germline): Benign/Likely benign. Review status: criteria provided, multiple submitters, no conflicts (2 of 4 stars). 2 submissions from 2 submitters: Benign (1); Likely benign (1). Last evaluated 2025-11-23.

Allele frequency attached by ClinVar (database versions not stated): gnomAD 0.00028 and 0.00050; gnomAD exomes 0.00052 and 0.00101; TOPMed 0.00054; ExAC 0.00105; 1000 Genomes Project 30x 0.00297; 1000 Genomes Project 0.00319.
gnomAD v4.1: 834 of 1,614,188 alleles (0.052%); highest among the groups gnomAD compares: East Asian, 1.7%; 11 homozygotes.

Submissions (2):

Labcorp Genetics (formerly Invitae), Labcorp
Classification: Benign. Last evaluated: 2025-11-23. Review status: criteria provided, single submitter. Criteria: Invitae Variant Classification Sherloc (09022015). Collection method: clinical testing. Allele origin: germline.

Mayo Clinic Laboratories, Mayo Clinic
Classification: Likely benign. Last evaluated: 2025-01-27. Review status: criteria provided, single submitter. Criteria: ACMG Guidelines, 2015. Collection method: clinical testing. Allele origin: germline. Observed: 1 variant allele.
Comment: BS1, BS2, BP4_moderate

NM_000780.4(CYP7A1):c.698A>G (p.Asn233Ser)

Gene: CYP7A1 (cytochrome P450 family 7 subfamily A member 1; minus strand). Cytogenetic location: 8q12.1.
Variant type: single nucleotide variant.
Coding change: c.698A>G on transcript NM_000780.4 (MANE Select); coding-DNA position 698, A replaced by G.
Protein change: p.Asn233Ser; replaces asparagine 233 with serine.
Molecular consequence: missense variant.
Genome position (GRCh38, 1-based): chr8:58,496,814, T>C on the plus strand (A>G on the coding strand, the complement: CYP7A1 is on the minus strand). VCF-style: chr8-58496814-T-C. GRCh37 (hg19) VCF-style: chr8-59409373-T-C.
Other names: p.Asn233Ser; short protein forms N233S.
Identifiers: ClinVar variation 1584599 (VCV001584599.9), dbSNP rs8192874, ClinGen allele CA4756754.
Genomic context (GRCh38, chr8:58,496,814, plus strand): 5'-ATGCTTTCCCTCTTTTGGAGGTTCTCGTGCCTCAAGCTCTCTGCCAGTTTCTCCCGGGCA[T>C]TGTGCGCAGTCCTGAACATGTGAATGGGGAGGCCTGCTACCAGGGCTGGAAAGACTTTGT-3'
Protein context (NP_000771.2, residues 223-243): LPIHMFRTAH[Asn233Ser]AREKLAESLR